The following is an entry in ClinVar:

ClinVar aggregate classification (germline): Uncertain significance (1 of 4 stars; one submission).

Conditions:
Familial focal epilepsy with variable foci (FPEVF). Identifiers: Orphanet 98820, MedGen C1858477, MONDO:0020310.

Submission:

Labcorp Genetics (formerly Invitae), Labcorp
Classification: Uncertain significance for Familial focal epilepsy with variable foci. Last evaluated: 2019-07-18. Review status: criteria provided, single submitter. Criteria: Invitae Variant Classification Sherloc (09022015). Collection method: clinical testing. Allele origin: germline.
Comment: In summary, the available evidence is currently insufficient to determine the role of this variant in disease. Therefore, it has been classified as a Variant of Uncertain Significance. Algorithms developed to predict the effect of missense changes on protein structure and function are either unavailable or do not agree on the potential impact of this missense change (SIFT: "Tolerated"; PolyPhen-2: "Not Available"; Align-GVGD: "Class C0"). This variant has not been reported in the literature in individuals with DEPDC5-related disease. This variant is not present in population databases (ExAC no frequency). This sequence change replaces lysine with asparagine at codon 1292 of the DEPDC5 protein (p.Lys1292Asn). The lysine residue is highly conserved and there is a moderate physicochemical difference between lysine and asparagine.

NM_001242896.3(DEPDC5):c.3876G>C (p.Lys1292Asn)

Gene: DEPDC5 (DEP domain containing 5, GATOR1 subcomplex subunit; plus strand). Cytogenetic location: 22q12.3.
Variant type: single nucleotide variant.
Coding change: c.3876G>C on transcript NM_001242896.3 (MANE Select); coding-DNA position 3876, G replaced by C.
Protein change: p.Lys1292Asn; replaces lysine 1292 with asparagine.
Molecular consequence: missense variant. On other transcripts: non-coding transcript variant (5).
Genome position (GRCh38, 1-based): chr22:31,879,595, G>C. VCF-style: chr22-31879595-G-C. GRCh37 (hg19) VCF-style: chr22-32275581-G-C.
Other names: c.3783G>C, p.Lys1261Asn (NM_014662.6, NM_001369903.1); c.3849G>C, p.Lys1283Asn (NM_001136029.4); c.3576G>C, p.Lys1192Asn (NM_001242897.2); c.3810G>C, p.Lys1270Asn (NM_001363852.2, NM_001364320.2); c.3642G>C, p.Lys1214Asn (NM_001363854.2, NM_001364319.2); c.3876G>C, p.Lys1292Asn (NM_001364318.2); c.3792G>C, p.Lys1264Asn (NM_001369901.1, NM_001369902.1); short protein forms K1192N, K1214N, K1270N, K1283N, K1264N, K1292N, K1261N.
Identifiers: ClinVar variation 653733 (VCV000653733.10), dbSNP rs1602677998, ClinGen allele CA411282049.
Genomic context (GRCh38, chr22:31,879,595, plus strand): 5'-GCAGCCCGCCACCACCTGGCACACAGCAGGAGTGGACGACTTCGCCAGCTTCCAGCGCAA[G>C]TGGTTTGAGGTGGCCTTTGTGGCAGAAGAGCTCGTGCACTCTGAGATTCCTGCCTTTCTC-3'
Protein context (NP_001229825.1, residues 1282-1302): GVDDFASFQR[Lys1292Asn]WFEVAFVAEE